The following is an entry in ClinVar:

NM_015346.4(ZFYVE26):c.*394G>A

Gene: ZFYVE26 (zinc finger FYVE-type containing 26; minus strand). Cytogenetic location: 14q24.1.
Variant type: single nucleotide variant.
Coding change: c.*394G>A on transcript NM_015346.4 (MANE Select); 394 bases downstream of the stop codon, G replaced by A.
Molecular consequence: 3 prime UTR variant.
Genome position (GRCh38, 1-based): chr14:67,748,042, C>T on the plus strand (G>A on the coding strand, the complement: ZFYVE26 is on the minus strand). VCF-style: chr14-67748042-C-T. GRCh37 (hg19) VCF-style: chr14-68214759-C-T.
Identifiers: ClinVar variation 884215 (VCV000884215.4), dbSNP rs192149779, ClinGen allele CA262808966.

ClinVar aggregate classification (germline): Likely benign (1 of 4 stars; one submission).

Conditions:
Hereditary spastic paraplegia 15 (SPG15). Also called: SPASTIC PARAPLEGIA 15, AUTOSOMAL RECESSIVE; KJELLIN SYNDROME; SPASTIC PARAPLEGIA AND RETINAL DEGENERATION. Identifiers: Orphanet 100996, MedGen C1849128, MONDO:0010044, OMIM 270700.

Allele frequency attached by ClinVar (database versions not stated): gnomAD 0.00058 and 0.00076; TOPMed 0.00076; 1000 Genomes Project 30x 0.00406; 1000 Genomes Project 0.00479.
gnomAD v4.1: 175 of 246,908 alleles (0.071%); highest among the groups gnomAD compares: East Asian, 1.1%; 3 homozygotes.

Submission:

Illumina Laboratory Services, Illumina
Classification: Likely benign for Hereditary spastic paraplegia 15. Last evaluated: 2018-01-13. Review status: criteria provided, single submitter. Criteria: ICSL Variant Classification Criteria 13 December 2019. Collection method: clinical testing. Allele origin: germline.
Comment: This variant was observed in the ICSL laboratory as part of a predisposition screen in an ostensibly healthy population. It had not been previously curated by ICSL or reported in the Human Gene Mutation Database (HGMD: prior to June 1st, 2018), and was therefore a candidate for classification through an automated scoring system. Utilizing variant allele frequency, disease prevalence and penetrance estimates, and inheritance mode, an automated score was calculated to assess if this variant is too frequent to cause the disease. Based on the score and internal cut-off values, a variant classified as likely benign is not then subjected to further curation. The score for this variant resulted in a classification of likely benign for this disease.